The following is an entry in ClinVar:

NM_001378418.1(TCF20):c.3103C>G (p.Pro1035Ala)

Gene: TCF20 (transcription factor 20; minus strand). Cytogenetic location: 22q13.2.
Variant type: single nucleotide variant.
Coding change: c.3103C>G on transcript NM_001378418.1 (MANE Select); coding-DNA position 3103, C replaced by G.
Protein change: p.Pro1035Ala; replaces proline 1035 with alanine.
Molecular consequence: missense variant.
Genome position (GRCh38, 1-based): chr22:42,212,203, G>C on the plus strand (C>G on the coding strand, the complement: TCF20 is on the minus strand). VCF-style: chr22-42212203-G-C. GRCh37 (hg19) VCF-style: chr22-42608209-G-C.
Other names: c.3103C>G, p.Pro1035Ala (NM_005650.4, NM_181492.3); short protein forms P1035A.
Identifiers: ClinVar variation 3368356 (VCV003368356.2).

ClinVar aggregate classification (germline): Uncertain significance. Review status: criteria provided, multiple submitters, no conflicts (2 of 4 stars). 2 submissions from 2 submitters: Uncertain significance (2). Last evaluated 2025-10-09.

gnomAD v4.1: 1 of 1,614,220 alleles (0.000062%); highest among the groups gnomAD compares: African/African-American, 0.0013%; no homozygotes.

Submissions (2):

Labcorp Genetics (formerly Invitae), Labcorp
Classification: Uncertain significance. Last evaluated: 2025-10-09. Review status: criteria provided, single submitter. Criteria: Invitae Variant Classification Sherloc (09022015). Collection method: clinical testing. Allele origin: germline.
Comment: This sequence change replaces proline, which is neutral and non-polar, with alanine, which is neutral and non-polar, at codon 1035 of the TCF20 protein (p.Pro1035Ala). This variant is not present in population databases (gnomAD no frequency). This variant has not been reported in the literature in individuals affected with TCF20-related conditions. ClinVar contains an entry for this variant (Variation ID: 3368356). An algorithm developed to predict the effect of missense changes on protein structure and function (PolyPhen-2) suggests that this variant is likely to be disruptive. In summary, the available evidence is currently insufficient to determine the role of this variant in disease. Therefore, it has been classified as a Variant of Uncertain Significance.

GeneDx
Classification: Uncertain significance. Last evaluated: 2024-01-24. Review status: criteria provided, single submitter. Criteria: GeneDx Variant Classification Process June 2021. Collection method: clinical testing. Allele origin: germline. Affected: yes.
Comment: Not observed at significant frequency in large population cohorts (gnomAD); In silico analysis supports that this missense variant does not alter protein structure/function; Has not been previously published as pathogenic or benign to our knowledge